The following is an entry in ClinVar:

NM_015909.4(NBAS):c.6572+6T>C

Gene: NBAS (NBAS subunit of NRZ tethering complex; minus strand). Cytogenetic location: 2p24.3.
Variant type: single nucleotide variant.
Coding change: c.6572+6T>C on transcript NM_015909.4 (MANE Select); 6 bases into the intron after coding-DNA position 6572, T replaced by C.
Molecular consequence: intron variant.
Genome position (GRCh38, 1-based): chr2:15,190,258, A>G on the plus strand (T>C on the coding strand, the complement: NBAS is on the minus strand). VCF-style: chr2-15190258-A-G. GRCh37 (hg19) VCF-style: chr2-15330382-A-G.
Identifiers: ClinVar variation 1493146 (VCV001493146.6), dbSNP rs1338485455, ClinGen allele CA531209871.

ClinVar aggregate classification (germline): Uncertain significance (1 of 4 stars; one submission).

Allele frequency attached by ClinVar (database versions not stated): gnomAD exomes below 0.00001; gnomAD 0.00001.
gnomAD v4.1: 2 of 1,613,754 alleles (0.00012%); highest among the groups gnomAD compares: East Asian, 0.0022%; no homozygotes.

Submission:

Labcorp Genetics (formerly Invitae), Labcorp
Classification: Uncertain significance. Last evaluated: 2022-11-03. Review status: criteria provided, single submitter. Criteria: Invitae Variant Classification Sherloc (09022015). Collection method: clinical testing. Allele origin: germline.
Comment: In summary, the available evidence is currently insufficient to determine the role of this variant in disease. Therefore, it has been classified as a Variant of Uncertain Significance. This sequence change falls in intron 49 of the NBAS gene. It does not directly change the encoded amino acid sequence of the NBAS protein. It affects a nucleotide within the consensus splice site. This variant is present in population databases (no rsID available, gnomAD 0.006%). This variant has not been reported in the literature in individuals affected with NBAS-related conditions. ClinVar contains an entry for this variant (Variation ID: 1493146). Variants that disrupt the consensus splice site are a relatively common cause of aberrant splicing (PMID: 17576681, 9536098). Algorithms developed to predict the effect of sequence changes on RNA splicing suggest that this variant is not likely to affect RNA splicing.

Literature cited by the submitters: PubMed 17576681; PubMed 9536098.